The following is an entry in ClinVar:

ClinVar aggregate classification (germline): Uncertain significance. Review status: criteria provided, multiple submitters, no conflicts (2 of 4 stars). 2 submissions from 2 submitters: Uncertain significance (2). Last evaluated 2023-06-29.

Allele frequency attached by ClinVar (database versions not stated): gnomAD exomes below 0.00001; ExAC 0.00001; TOPMed 0.00001.
gnomAD v4.1: 2 of 1,614,134 alleles (0.00012%); highest among the groups gnomAD compares: Middle Eastern, 0.016%; no homozygotes.

Submissions (2):

Ambry Genetics
Classification: Uncertain significance. Last evaluated: 2023-06-29. Review status: criteria provided, single submitter. Criteria: Ambry Variant Classification Scheme 2023. Collection method: clinical testing. Allele origin: germline.

Labcorp Genetics (formerly Invitae), Labcorp
Classification: Uncertain significance. Last evaluated: 2021-03-14. Review status: criteria provided, single submitter. Criteria: Invitae Variant Classification Sherloc (09022015). Collection method: clinical testing. Allele origin: germline.
Comment: In summary, the available evidence is currently insufficient to determine the role of this variant in disease. Therefore, it has been classified as a Variant of Uncertain Significance. Algorithms developed to predict the effect of missense changes on protein structure and function are either unavailable or do not agree on the potential impact of this missense change (SIFT: "Deleterious"; PolyPhen-2: "Probably Damaging"; Align-GVGD: "Class C15"). This variant has not been reported in the literature in individuals with PRPF6-related conditions. The frequency data for this variant in the population databases is considered unreliable, as metrics indicate poor data quality at this position in the ExAC database. This sequence change replaces glutamic acid with lysine at codon 162 of the PRPF6 protein (p.Glu162Lys). The glutamic acid residue is highly conserved and there is a small physicochemical difference between glutamic acid and lysine.

NM_012469.4(PRPF6):c.484G>A (p.Glu162Lys)

Gene: PRPF6 (pre-mRNA processing factor 6; plus strand). Cytogenetic location: 20q13.33.
Variant type: single nucleotide variant.
Coding change: c.484G>A on transcript NM_012469.4 (MANE Select); coding-DNA position 484, G replaced by A.
Protein change: p.Glu162Lys; replaces glutamic acid 162 with lysine.
Molecular consequence: missense variant.
Genome position (GRCh38, 1-based): chr20:63,994,961, G>A. VCF-style: chr20-63994961-G-A. GRCh37 (hg19) VCF-style: chr20-62626314-G-A.
Other names: c.484G>A (NM_012469.3); short protein forms E162K.
Identifiers: ClinVar variation 1503857 (VCV001503857.9), dbSNP rs767004241, ClinGen allele CA9971917.
Genomic context (GRCh38, chr20:63,994,961, plus strand): 5'-GCTGGATATTTCCAGAGGAAGTTGGCAGAAGTCACAGAAGAAGAGTGGCTGAGCATCCCC[G>A]AGGTTGGCGATGCCAGAAATAAACGTCAGCGGAACCCACGCTATGAGAAGCTGACCCCTG-3'
Protein context (NP_036601.2, residues 152-172): VTEEEWLSIP[Glu162Lys]VGDARNKRQR